The following is an entry in ClinVar:

NM_152594.3(SPRED1):c.1064C>A (p.Ala355Asp)

Gene: SPRED1 (sprouty related EVH1 domain containing 1; plus strand). Cytogenetic location: 15q14.
Variant type: single nucleotide variant.
Coding change: c.1064C>A on transcript NM_152594.3 (MANE Select); coding-DNA position 1064, C replaced by A.
Protein change: p.Ala355Asp; replaces alanine 355 with aspartic acid.
Molecular consequence: missense variant.
Genome position (GRCh38, 1-based): chr15:38,351,393, C>A. VCF-style: chr15-38351393-C-A. GRCh37 (hg19) VCF-style: chr15-38643594-C-A.
Other names: short protein forms A355D.
Identifiers: ClinVar variation 5030128 (VCV005030128.1).

ClinVar aggregate classification (germline): Uncertain significance (1 of 4 stars; one submission).

Conditions:
Cardiovascular phenotype. Identifiers: MedGen CN230736.

Submission:

Ambry Genetics
Classification: Uncertain significance for Cardiovascular phenotype. Last evaluated: 2026-08-21. Review status: criteria provided, single submitter. Criteria: Ambry Variant Classification Scheme 2023. Collection method: clinical testing. Allele origin: germline.
Comment: The p.A355D variant (also known as c.1064C>A), located in coding exon 7 of the SPRED1 gene, results from a C to A substitution at nucleotide position 1064. The alanine at codon 355 is replaced by aspartic acid, an amino acid with dissimilar properties. This amino acid position is conserved. In addition, this alteration is predicted to be deleterious by in silico analysis. Based on the available evidence, the clinical significance of this variant remains unclear.